The following is an entry in ClinVar:

ClinVar aggregate classification (germline): Uncertain significance (1 of 4 stars; one submission).

Conditions:
RASopathy. Also called: rasopathies; Noonan spectrum disorder. Identifiers: Orphanet 536391, MedGen C5555857, MONDO:0021060.

Submission:

Labcorp Genetics (formerly Invitae), Labcorp
Classification: Uncertain significance for RASopathy. Last evaluated: 2024-01-20. Review status: criteria provided, single submitter. Criteria: Invitae Variant Classification Sherloc (09022015). Collection method: clinical testing. Allele origin: germline.
Comment: This sequence change replaces alanine, which is neutral and non-polar, with valine, which is neutral and non-polar, at codon 62 of the MAP2K2 protein (p.Ala62Val). This variant is not present in population databases (gnomAD no frequency). This variant has not been reported in the literature in individuals affected with MAP2K2-related conditions. Advanced modeling of protein sequence and biophysical properties (such as structural, functional, and spatial information, amino acid conservation, physicochemical variation, residue mobility, and thermodynamic stability) has been performed at Invitae for this missense variant, however the output from this modeling did not meet the statistical confidence thresholds required to predict the impact of this variant on MAP2K2 protein function. This variant disrupts the p.Ala62 amino acid residue in MAP2K2. Other variant(s) that disrupt this residue have been determined to be pathogenic (PMID: 17704260, 33482860). This suggests that this residue is clinically significant, and that variants that disrupt this residue are likely to be disease-causing. In summary, the available evidence is currently insufficient to determine the role of this variant in disease. Therefore, it has been classified as a Variant of Uncertain Significance.

Literature cited by the submitters: PubMed 17704260; PubMed 33482860.

NM_030662.4(MAP2K2):c.185C>T (p.Ala62Val)

Gene: MAP2K2 (mitogen-activated protein kinase kinase 2; minus strand). Cytogenetic location: 19p13.3.
Variant type: single nucleotide variant.
Coding change: c.185C>T on transcript NM_030662.4 (MANE Select); coding-DNA position 185, C replaced by T.
Protein change: p.Ala62Val; replaces alanine 62 with valine.
Molecular consequence: missense variant.
Genome position (GRCh38, 1-based): chr19:4,117,537, G>A on the plus strand (C>T on the coding strand, the complement: MAP2K2 is on the minus strand). VCF-style: chr19-4117537-G-A. GRCh37 (hg19) VCF-style: chr19-4117535-G-A.
Other names: short protein forms A62V.
Identifiers: ClinVar variation 2981896 (VCV002981896.3), dbSNP rs768329054, ClinGen allele CA403392680.
Genomic context (GRCh38, chr19:4,117,537, plus strand): 5'-TTGCCCGCGCCCAGCTCTGAGATCCTTTCGAAGTCATCGTCTTTGAGTTCGCCGACCTTG[G>A]CTTTCTGGGTGAGAAAGGCTTCCAGCCGCTTCTTCTGCTGCTCGTCAAGTTCCAGCTCCT-3'
Protein context (NP_109587.1, residues 52-72): KRLEAFLTQK[Ala62Val]KVGELKDDDF